The following is an entry in ClinVar:

NM_002474.3(MYH11):c.4638G>A (p.Thr1546=)

Genes: NDE1 (nudE neurodevelopment protein 1; plus strand), MYH11 (myosin heavy chain 11; minus strand). Cytogenetic location: 16p13.11.
Variant type: single nucleotide variant.
Coding change: c.4638G>A on transcript NM_002474.3 (MANE Select); coding-DNA position 4638, G replaced by A.
Protein change: p.Thr1546=; no amino-acid change (threonine 1546 retained).
Molecular consequence: synonymous variant. On other transcripts: intron variant (2).
Genome position (GRCh38, 1-based): chr16:15,720,992, C>T on the plus strand (G>A on the coding strand, the complement: MYH11 is on the minus strand). VCF-style: chr16-15720992-C-T. GRCh37 (hg19) VCF-style: chr16-15814849-C-T.
Other names: c.4659G>A, p.Thr1553= (NM_001040113.2, NM_001040114.2); c.4638G>A, p.Thr1546= (NM_022844.3); c.948-3199C>T (NM_001143979.2, NM_017668.3).
Identifiers: ClinVar variation 519942 (VCV000519942.17), dbSNP rs141314621, ClinGen allele CA278601892.
Genomic context (GRCh38, chr16:15,720,992, plus strand): 5'-TTCCAGCCGCAGTTTGGCGTCCTCCGTGGCTTGCAGCTCGTCCTCCAGCTCTTCCAGCTG[C>T]GTCTTCATCTCCTCCATCTGGGTCTCCAGGGCCCGCTTGGACTTCTCCAGCTCATGGACC-3'
Protein context (NP_002465.1, residues 1536-1556): ALETQMEEMK[Thr1546=]QLEELEDELQ

ClinVar aggregate classification (germline): Likely benign. Review status: criteria provided, multiple submitters, no conflicts (2 of 4 stars). 4 submissions from 4 submitters: Likely benign (4). Last evaluated 2023-12-13.

Conditions:
Familial thoracic aortic aneurysm and aortic dissection (TAAD). Also called: Thoracic aortic aneurysms and dissections. Identifiers: Orphanet 91387, MedGen C4707243, MONDO:0019625.
Aortic aneurysm, familial thoracic 4 (AAT4). Also called: AORTIC ANEURYSM/AORTIC DISSECTION AND PATENT DUCTUS ARTERIOSUS. Identifiers: MedGen C1851504, MONDO:0007568, OMIM 132900.

Allele frequency attached by ClinVar (database versions not stated): gnomAD exomes below 0.00001 and 0.00002; gnomAD 0.00003 and 0.00004; TOPMed 0.00004; ESP Exome Variant Server 0.00015.
gnomAD v4.1: 10 of 1,614,004 alleles (0.00062%); highest among the groups gnomAD compares: African/African-American, 0.0067%; no homozygotes.

Submissions (4):

All of Us Research Program, National Institutes of Health
Classification: Likely benign for Familial thoracic aortic aneurysm and aortic dissection. Last evaluated: 2023-12-13. Review status: criteria provided, single submitter. Criteria: ACMG Guidelines, 2015. Collection method: clinical testing. Allele origin: germline. Inheritance: Autosomal dominant inheritance. Observed: 3 variant alleles, 3 heterozygotes.
Comment: This study involves interpretation of variants in research participants for the purpose of population health screening. Participant phenotype was not available at the time of variant classification. Additional details can be found in publication PMID: 35346344, PMCID: PMC8962531

Labcorp Genetics (formerly Invitae), Labcorp
Classification: Likely benign for Aortic aneurysm, familial thoracic 4. Last evaluated: 2020-02-06. Review status: criteria provided, single submitter. Criteria: Invitae Variant Classification Sherloc (09022015). Collection method: clinical testing. Allele origin: germline.

Color Diagnostics, LLC DBA Color Health
Classification: Likely benign for Familial thoracic aortic aneurysm and aortic dissection. Last evaluated: 2019-07-15. Review status: criteria provided, single submitter. Criteria: ACMG Guidelines, 2015. Collection method: clinical testing. Allele origin: germline.

Ambry Genetics
Classification: Likely benign for Familial thoracic aortic aneurysm and aortic dissection. Last evaluated: 2016-10-28. Review status: criteria provided, single submitter. Criteria: Ambry Variant Classification Scheme 2023. Collection method: clinical testing. Allele origin: germline.